The following is an entry in ClinVar:

NM_000059.4(BRCA2):c.2775T>C (p.Ser925=)

Gene: BRCA2 (BRCA2 DNA repair associated; plus strand). Cytogenetic location: 13q13.1.
Variant type: single nucleotide variant.
Coding change: c.2775T>C on transcript NM_000059.4 (MANE Select); coding-DNA position 2775, T replaced by C.
Protein change: p.Ser925=; no amino-acid change (serine 925 retained).
Molecular consequence: synonymous variant.
Genome position (GRCh38, 1-based): chr13:32,337,130, T>C. VCF-style: chr13-32337130-T-C. GRCh37 (hg19) VCF-style: chr13-32911267-T-C.
Identifiers: ClinVar variation 427448 (VCV000427448.19), dbSNP rs756859735, ClinGen allele CA6940629.

ClinVar aggregate classification (germline): Likely benign. Review status: reviewed by expert panel (3 of 4 stars). 4 submissions from 4 submitters: Likely benign (1). 3 of the submissions do not count toward it. Last evaluated 2017-06-29.

Conditions:
Hereditary cancer-predisposing syndrome. Also called: Hereditary neoplastic syndrome; Hereditary Cancer Syndrome; Neoplastic Syndromes, Hereditary; Tumor predisposition. Identifiers: Orphanet 140162, MedGen C0027672, MeSH D009386, MONDO:0015356.
Hereditary breast ovarian cancer syndrome. Also called: Hereditary breast and ovarian cancer syndrome; BRCA1- and BRCA2-Associated Hereditary Breast and Ovarian Cancer; Hereditary breast and/or ovarian cancer syndrome; Hereditary breast and ovarian cancer; Breast and ovarian cancer; Hereditary breast and ovarian cancer syndrome (HBOC). Identifiers: Orphanet 145, MedGen C0677776, MeSH D061325, MONDO:0003582. Disease mechanism: loss of function.
Breast-ovarian cancer, familial, susceptibility to, 2 (BROVCA2). Also called: BRCA2 Hereditary Breast and Ovarian Cancer. Identifiers: Orphanet 145, MedGen C2675520, MONDO:0012933, OMIM 612555. Disease mechanism: loss of function.

Allele frequency attached by ClinVar (database versions not stated): gnomAD below 0.00001 and 0.00001; gnomAD exomes below 0.00001; ExAC 0.00001.
gnomAD v4.1: 1 of 1,613,740 alleles (0.000062%); highest among the groups gnomAD compares: South Asian, 0.0011%; no homozygotes.

Submissions (4):

Evidence-based Network for the Interpretation of Germline Mutant Alleles (ENIGMA)
Classification: Likely benign for Breast-ovarian cancer, familial, susceptibility to, 2. Last evaluated: 2017-06-29. Review status: reviewed by expert panel. Criteria: ENIGMA BRCA1/2 Classification Criteria (2017-06-29). Collection method: curation. Allele origin: germline.
Comment: Synonymous substitution variant, with low bioinformatic likelihood to result in a splicing aberration (Splicing prior probability 0.02).

Labcorp Genetics (formerly Invitae), Labcorp
Classification: Likely benign for Hereditary breast ovarian cancer syndrome. Last evaluated: 2025-12-09. Review status: criteria provided, single submitter. Criteria: Invitae Variant Classification Sherloc (09022015). Collection method: clinical testing. Allele origin: germline. Not counted in ClinVar's aggregate classification.

Ambry Genetics
Classification: Likely benign for Hereditary cancer-predisposing syndrome. Last evaluated: 2019-09-16. Review status: criteria provided, single submitter. Criteria: Ambry Variant Classification Scheme 2023. Collection method: clinical testing. Allele origin: germline. Not counted in ClinVar's aggregate classification.

Color Diagnostics, LLC DBA Color Health
Classification: Likely benign for Hereditary cancer-predisposing syndrome. Last evaluated: 2019-07-23. Review status: criteria provided, single submitter. Criteria: ACMG Guidelines, 2015. Collection method: clinical testing. Allele origin: germline. Not counted in ClinVar's aggregate classification.